The following is an entry in ClinVar:

NM_000217.3(KCNA1):c.329dup (p.Asp111fs)

Gene: KCNA1 (potassium voltage-gated channel subfamily A member 1; plus strand). Cytogenetic location: 12p13.32.
Variant type: Duplication.
Coding change: c.329dup on transcript NM_000217.3 (MANE Select); coding-DNA position 329, one base duplicated (T; older notation c.329dupT).
Protein change: p.Asp111fs; shifts the reading frame from aspartic acid 111.
Molecular consequence: frameshift variant.
Genome position (GRCh38, 1-based): chr12:4,911,707, T duplicated. VCF-style (leftmost placement, unchanged base first): chr12-4911706-C-CT. GRCh37 (hg19) VCF-style: chr12-5020872-C-CT.
Other names: short protein forms D111fs.
Identifiers: ClinVar variation 3659893 (VCV003659893.2).

ClinVar aggregate classification (germline): Uncertain significance (1 of 4 stars; one submission).

Conditions:
Episodic ataxia type 1 (EA1). Also called: ATAXIA, EPISODIC, WITH MYOKYMIA; MYOKYMIA WITH PERIODIC ATAXIA; PAROXYSMAL ATAXIA WITH NEUROMYOTONIA, HEREDITARY; Episodic ataxia/myokymia syndrome. Identifiers: Orphanet 37612, Orphanet 972, MedGen C1719788, MONDO:0008047, OMIM 160120.

Submission:

Labcorp Genetics (formerly Invitae), Labcorp
Classification: Uncertain significance for Episodic ataxia type 1. Last evaluated: 2024-07-19. Review status: criteria provided, single submitter. Criteria: Invitae Variant Classification Sherloc (09022015). Collection method: clinical testing. Allele origin: germline.
Comment: This sequence change creates a premature translational stop signal (p.Asp111Glyfs*85) in the KCNA1 gene. While this is not anticipated to result in nonsense mediated decay, it is expected to disrupt the last 385 amino acid(s) of the KCNA1 protein. This variant is not present in population databases (gnomAD no frequency). This variant has not been reported in the literature in individuals affected with KCNA1-related conditions. Experimental studies and prediction algorithms are not available or were not evaluated, and the functional significance of this variant is currently unknown. In summary, the available evidence is currently insufficient to determine the role of this variant in disease. Therefore, it has been classified as a Variant of Uncertain Significance.